The following is an entry in ClinVar:

NM_003809.3(TNFSF12):c.164C>T (p.Pro55Leu)

Genes: TNFSF12 (TNF superfamily member 12; plus strand), TNFSF12-TNFSF13 (TNFSF12-TNFSF13 readthrough; plus strand). Cytogenetic location: 17p13.1.
Variant type: single nucleotide variant.
Coding change: c.164C>T on transcript NM_003809.3 (MANE Select); coding-DNA position 164, C replaced by T.
Protein change: p.Pro55Leu; replaces proline 55 with leucine.
Molecular consequence: missense variant. On other transcripts: non-coding transcript variant (1).
Genome position (GRCh38, 1-based): chr17:7,549,478, C>T. VCF-style: chr17-7549478-C-T. GRCh37 (hg19) VCF-style: chr17-7452795-C-T.
Other names: c.164C>T, p.Pro55Leu (NM_172089.4); short protein forms P55L.
Identifiers: ClinVar variation 1519978 (VCV001519978.8), dbSNP rs764718533, ClinGen allele CA8350707.

ClinVar aggregate classification (germline): Uncertain significance (1 of 4 stars; one submission).

Conditions:
Common variable immunodeficiency (CVID). Also called: Common variable hypogamma-globulinemia; Common variable agammaglobulinemia. Identifiers: Orphanet 1572, MedGen C0009447, MONDO:0015517.

Allele frequency attached by ClinVar (database versions not stated): gnomAD exomes below 0.00001; TOPMed 0.00002.
gnomAD v4.1: 2 of 1,535,466 alleles (0.00013%); highest among the groups gnomAD compares: South Asian, 0.0012%; no homozygotes.

Submission:

Labcorp Genetics (formerly Invitae), Labcorp
Classification: Uncertain significance for Common variable immunodeficiency. Last evaluated: 2022-04-19. Review status: criteria provided, single submitter. Criteria: Invitae Variant Classification Sherloc (09022015). Collection method: clinical testing. Allele origin: germline.
Comment: In summary, the available evidence is currently insufficient to determine the role of this variant in disease. Therefore, it has been classified as a Variant of Uncertain Significance. Algorithms developed to predict the effect of missense changes on protein structure and function are either unavailable or do not agree on the potential impact of this missense change (SIFT: "Deleterious"; PolyPhen-2: "Benign"; Align-GVGD: "Class C0"). This variant has not been reported in the literature in individuals affected with TNFSF12-related conditions. This variant is not present in population databases (gnomAD no frequency). This sequence change replaces proline, which is neutral and non-polar, with leucine, which is neutral and non-polar, at codon 55 of the TNFSF12 protein (p.Pro55Leu).